The following is an entry in ClinVar:

NM_003098.3(SNTA1):c.1425+18del

Gene: SNTA1 (syntrophin alpha 1; minus strand). Cytogenetic location: 20q11.21.
Variant type: Deletion.
Coding change: c.1425+18del on transcript NM_003098.3 (MANE Select); 18 bases into the intron after coding-DNA position 1425, one base deleted (T; older notation c.1425+18delT).
Molecular consequence: intron variant.
Genome position (GRCh38, 1-based): chr20:33,408,683, A deleted on the plus strand (T on the coding strand, the reverse complement: SNTA1 is on the minus strand). VCF-style (leftmost placement, unchanged base first): chr20-33408682-GA-G. GRCh37 (hg19) VCF-style: chr20-31996488-GA-G.
Other names: c.1425+18delT (NM_003098.2).
Identifiers: ClinVar variation 516958 (VCV000516958.10), dbSNP rs746145193, ClinGen allele CA9816963.

ClinVar aggregate classification (germline): Likely benign. Review status: criteria provided, multiple submitters, no conflicts (2 of 4 stars). 2 submissions from 2 submitters: Likely benign (2). Last evaluated 2025-06-08.

Conditions:
Long QT syndrome (LQTS). Identifiers: MedGen C0023976, MeSH D008133, MONDO:0002442. Disease mechanism: loss of function. Inheritance: Various modes of inheritance.

Allele frequency attached by ClinVar (database versions not stated): TOPMed 0.00010; gnomAD 0.00011 and 0.00012; gnomAD exomes 0.00012 and 0.00023; ExAC 0.00013; ESP Exome Variant Server 0.00040.

Submissions (2):

Labcorp Genetics (formerly Invitae), Labcorp
Classification: Likely benign for Long QT syndrome. Last evaluated: 2025-06-08. Review status: criteria provided, single submitter. Criteria: Invitae Variant Classification Sherloc (09022015). Collection method: clinical testing. Allele origin: germline.

GeneDx
Classification: Likely benign. Last evaluated: 2017-08-28. Review status: criteria provided, single submitter. Criteria: GeneDx Variant Classification (06012015). Collection method: clinical testing. Allele origin: germline. Affected: yes.
Comment: This variant is considered likely benign or benign based on one or more of the following criteria: it is a conservative change, it occurs at a poorly conserved position in the protein, it is predicted to be benign by multiple in silico algorithms, and/or has population frequency not consistent with disease.